The following is an entry in ClinVar:

NM_174934.4(SCN4B):c.23_24delinsAA (p.Gly8Glu)

Gene: SCN4B (sodium voltage-gated channel beta subunit 4; minus strand). Cytogenetic location: 11q23.3.
Variant type: Indel.
Coding change: c.23_24delinsAA on transcript NM_174934.4 (MANE Select); coding-DNA positions 23 to 24, GC replaced by AA.
Protein change: p.Gly8Glu; replaces glycine 8 with glutamic acid.
Molecular consequence: missense variant.
Genome position (GRCh38, 1-based): chr11:118,152,650-118,152,651, GC replaced by TT on the plus strand (GC replaced by AA on the coding strand, the reverse complement: SCN4B is on the minus strand). VCF-style: chr11-118152650-GC-TT. GRCh37 (hg19) VCF-style: chr11-118023365-GC-TT.
Other names: c.23_24delinsAA, p.Gly8Glu (NM_001142348.2); short protein forms G8E.
Identifiers: ClinVar variation 1789277 (VCV001789277.2), dbSNP rs2497579498, ClinGen allele CA2580083566.
Genomic context (GRCh38, chr11:118,152,650, plus strand): 5'-AGACCAAGCTGGGGCTGCCTTACCCAAAAGCCCAGTGCCCAGCCATCTCGCCGGGGCTTT[GC>TT]CTCCGTCCCCAGCCCCGGGCATAGTCCTGTTCTCTCCGGAGCGCGCGGGGGTCGCGGGGA-3'
Protein context (NP_777594.1, residues 1-18): MPGAGDG[Gly8Glu]KAPARWLGTG

ClinVar aggregate classification (germline): Uncertain significance (1 of 4 stars; one submission).

Conditions:
Cardiovascular phenotype. Identifiers: MedGen CN230736.

Submission:

Ambry Genetics
Classification: Uncertain significance for Cardiovascular phenotype. Last evaluated: 2022-03-17. Review status: criteria provided, single submitter. Criteria: Ambry Variant Classification Scheme 2023. Collection method: clinical testing. Allele origin: germline.
Comment: The c.23_24delGCinsAA variant (also known as p.G8E), located in coding exon 1 of the SCN4B gene, results from an in-frame deletion of GC and insertion of AA at nucleotide positions 23 to 24. This results in the substitution of the glycine residue for a glutamic acid residue at codon 8, an amino acid with similar properties. This amino acid position is well conserved in available vertebrate species. In addition, this alteration is predicted to be neutral by in silico analysis (Choi Y et al. PLoS ONE. 2012; 7(10):e46688). The evidence for this gene-disease relationship is limited; therefore, the clinical significance of this alteration is unclear.